The following is an entry in ClinVar:

NM_005431.2(XRCC2):c.693G>C (p.Trp231Cys)

Gene: XRCC2 (X-ray repair cross complementing 2; minus strand). Cytogenetic location: 7q36.1.
Variant type: single nucleotide variant.
Coding change: c.693G>C on transcript NM_005431.2 (MANE Select); coding-DNA position 693, G replaced by C.
Protein change: p.Trp231Cys; replaces tryptophan 231 with cysteine.
Molecular consequence: missense variant.
Genome position (GRCh38, 1-based): chr7:152,648,792, C>G on the plus strand (G>C on the coding strand, the complement: XRCC2 is on the minus strand). VCF-style: chr7-152648792-C-G. GRCh37 (hg19) VCF-style: chr7-152345877-C-G.
Other names: short protein forms W231C.
Identifiers: ClinVar variation 2562728 (VCV002562728.2), dbSNP rs1267462913, ClinGen allele CA370198154.
Genomic context (GRCh38, chr7:152,648,792, plus strand): 5'-GTTGCTGCTTTGAGAATCATCTTGTTTGGAGAAAAACATCCTGTGCTTCACCAGTTGCTG[C>G]CATGCCTTACAGAGATAAGGTCTGTAGTCTATGTCCACATCACACAGTCGTCGAGAGGCA-3'
Protein context (NP_005422.1, residues 221-241): IDYRPYLCKA[Trp231Cys]QQLVKHRMFF

ClinVar aggregate classification (germline): Uncertain significance (1 of 4 stars; one submission).

Conditions:
Hereditary cancer-predisposing syndrome. Also called: Neoplastic Syndromes, Hereditary; Hereditary Cancer Syndrome; Hereditary neoplastic syndrome; Tumor predisposition. Identifiers: Orphanet 140162, MedGen C0027672, MeSH D009386, MONDO:0015356.

Submission:

Ambry Genetics
Classification: Uncertain significance for Hereditary cancer-predisposing syndrome. Last evaluated: 2023-05-09. Review status: criteria provided, single submitter. Criteria: Ambry Variant Classification Scheme 2023. Collection method: clinical testing. Allele origin: germline.
Comment: The p.W231C variant (also known as c.693G>C), located in coding exon 3 of the XRCC2 gene, results from a G to C substitution at nucleotide position 693. The tryptophan at codon 231 is replaced by cysteine, an amino acid with highly dissimilar properties. This amino acid position is highly conserved in available vertebrate species. In addition, the in silico prediction for this alteration is inconclusive. Since supporting evidence is limited at this time, the clinical significance of this alteration remains unclear.